The following is an entry in ClinVar:

ClinVar aggregate classification (germline): Likely benign (1 of 4 stars; one submission).

Conditions:
Hereditary spastic paraplegia 15 (SPG15). Also called: SPASTIC PARAPLEGIA 15, AUTOSOMAL RECESSIVE; KJELLIN SYNDROME; SPASTIC PARAPLEGIA AND RETINAL DEGENERATION. Identifiers: Orphanet 100996, MedGen C1849128, MONDO:0010044, OMIM 270700.

Allele frequency attached by ClinVar (database versions not stated): gnomAD 0.00655 and 0.00688; TOPMed 0.00753; 1000 Genomes Project 30x 0.00906; 1000 Genomes Project 0.00919.

Submission:

Illumina Laboratory Services, Illumina
Classification: Likely benign for Hereditary spastic paraplegia 15. Last evaluated: 2018-01-13. Review status: criteria provided, single submitter. Criteria: ICSL Variant Classification Criteria 13 December 2019. Collection method: clinical testing. Allele origin: germline.
Comment: This variant was observed in the ICSL laboratory as part of a predisposition screen in an ostensibly healthy population. It had not been previously curated by ICSL or reported in the Human Gene Mutation Database (HGMD: prior to June 1st, 2018), and was therefore a candidate for classification through an automated scoring system. Utilizing variant allele frequency, disease prevalence and penetrance estimates, and inheritance mode, an automated score was calculated to assess if this variant is too frequent to cause the disease. Based on the score and internal cut-off values, a variant classified as likely benign is not then subjected to further curation. The score for this variant resulted in a classification of likely benign for this disease.

NM_015346.4(ZFYVE26):c.*1009T>C

Gene: ZFYVE26 (zinc finger FYVE-type containing 26; minus strand). Cytogenetic location: 14q24.1.
Variant type: single nucleotide variant.
Coding change: c.*1009T>C on transcript NM_015346.4 (MANE Select); 1009 bases downstream of the stop codon, T replaced by C.
Molecular consequence: 3 prime UTR variant.
Genome position (GRCh38, 1-based): chr14:67,747,427, A>G on the plus strand (T>C on the coding strand, the complement: ZFYVE26 is on the minus strand). VCF-style: chr14-67747427-A-G. GRCh37 (hg19) VCF-style: chr14-68214144-A-G.
Identifiers: ClinVar variation 882243 (VCV000882243.4), dbSNP rs78689507, ClinGen allele CA262808707.